The following is an entry in ClinVar:

ClinVar aggregate classification (germline): Uncertain significance. Review status: criteria provided, multiple submitters, no conflicts (2 of 4 stars). 2 submissions from 2 submitters: Uncertain significance (2). Last evaluated 2025-08-07.

Conditions:
Pheochromocytoma/paraganglioma syndrome 4. Also called: SDHB-Related Hereditary Paraganglioma-Pheochromocytoma Syndrome (Paragangliomas 4); SDHB-Related Hereditary Paraganglioma-Pheochromocytoma Syndrome; CAROTID BODY TUMORS AND MULTIPLE EXTRAADRENAL PHEOCHROMOCYTOMAS; PARAGANGLIOMA, FAMILIAL MALIGNANT; PARAGANGLIOMAS, HEREDITARY EXTRAADRENAL; PHEOCHROMOCYTOMA, FAMILIAL EXTRAADRENAL. Identifiers: Orphanet 29072, MedGen C1861848, MONDO:0007273, OMIM 115310.
Pheochromocytoma. Also called: MAX-Related Hereditary Paraganglioma-Pheochromocytoma Syndrome. Identifiers: Orphanet 29072, MedGen C0031511, MONDO:0008233, OMIM 171300, HP:0002666.
Gastrointestinal stromal tumor. Also called: Gastrointestinal stromal tumor, somatic; Gastrointestinal stroma tumor. Identifiers: Orphanet 44890, MedGen C0238198, MeSH D046152, MONDO:0011719, OMIM 606764, HP:0100723.
Hereditary cancer-predisposing syndrome. Also called: Neoplastic Syndromes, Hereditary; Tumor predisposition; Hereditary Cancer Syndrome; Hereditary neoplastic syndrome. Identifiers: Orphanet 140162, MedGen C0027672, MeSH D009386, MONDO:0015356.

Submissions (2):

Ambry Genetics
Classification: Uncertain significance for Hereditary cancer-predisposing syndrome. Last evaluated: 2025-08-07. Review status: criteria provided, single submitter. Criteria: Ambry Variant Classification Scheme 2023. Collection method: clinical testing. Allele origin: germline.
Comment: The p.N258T variant (also known as c.773A>C), located in coding exon 8 of the SDHB gene, results from an A to C substitution at nucleotide position 773. The asparagine at codon 258 is replaced by threonine, an amino acid with similar properties. This amino acid position is conserved. In addition, this alteration is predicted to be deleterious by in silico analysis. Based on the available evidence, the clinical significance of this variant remains unclear.

Labcorp Genetics (formerly Invitae), Labcorp
Classification: Uncertain significance for Gastrointestinal stromal tumor; Pheochromocytoma/paraganglioma syndrome 4; Pheochromocytoma. Last evaluated: 2022-04-18. Review status: criteria provided, single submitter. Criteria: Invitae Variant Classification Sherloc (09022015). Collection method: clinical testing. Allele origin: germline.
Comment: This sequence change replaces asparagine, which is neutral and polar, with threonine, which is neutral and polar, at codon 258 of the SDHB protein (p.Asn258Thr). This variant is not present in population databases (gnomAD no frequency). This variant has not been reported in the literature in individuals affected with SDHB-related conditions. ClinVar contains an entry for this variant (Variation ID: 654253). Advanced modeling of protein sequence and biophysical properties (such as structural, functional, and spatial information, amino acid conservation, physicochemical variation, residue mobility, and thermodynamic stability) performed at Invitae indicates that this missense variant is expected to disrupt SDHB protein function. In summary, the available evidence is currently insufficient to determine the role of this variant in disease. Therefore, it has been classified as a Variant of Uncertain Significance.

NM_003000.3(SDHB):c.773A>C (p.Asn258Thr)

Gene: SDHB (succinate dehydrogenase complex iron sulfur subunit B; minus strand). Cytogenetic location: 1p36.13.
Variant type: single nucleotide variant.
Coding change: c.773A>C on transcript NM_003000.3 (MANE Select); coding-DNA position 773, A replaced by C.
Protein change: p.Asn258Thr; replaces asparagine 258 with threonine.
Molecular consequence: missense variant.
Genome position (GRCh38, 1-based): chr1:17,018,951, T>G on the plus strand (A>C on the coding strand, the complement: SDHB is on the minus strand). VCF-style: chr1-17018951-T-G. GRCh37 (hg19) VCF-style: chr1-17345446-T-G.
Other names: short protein forms N258T.
Identifiers: ClinVar variation 654253 (VCV000654253.4), dbSNP rs1570942645, ClinGen allele CA338269034.
Genomic context (GRCh38, chr1:17,018,951, plus strand): 5'-GCTTTCTTCTCCTTATAGGTTGCCATCATTTTCTTGATCTCTGCAATAGCTTTCCCTGGA[T>G]TCAGACCCTTGAAAAAAGAGAAAAGAATCAATAACAAATGATAACTGAAACTGAAAGGGA-3'
Protein context (NP_002991.2, residues 248-268): NCTRTCPKGL[Asn258Thr]PGKAIAEIKK